The following is an entry in ClinVar:

NM_001130823.3(DNMT1):c.3280G>T (p.Gly1094Cys)

Gene: DNMT1 (DNA methyltransferase 1; minus strand). Cytogenetic location: 19p13.2.
Variant type: single nucleotide variant.
Coding change: c.3280G>T on transcript NM_001130823.3 (MANE Select); coding-DNA position 3280, G replaced by T.
Protein change: p.Gly1094Cys; replaces glycine 1094 with cysteine.
Molecular consequence: missense variant.
Genome position (GRCh38, 1-based): chr19:10,142,057, C>A on the plus strand (G>T on the coding strand, the complement: DNMT1 is on the minus strand). VCF-style: chr19-10142057-C-A. GRCh37 (hg19) VCF-style: chr19-10252733-C-A.
Other names: NC_000019.9:g.10252733C>A; c.3232G>T, p.Gly1078Cys (NM_001318730.2, NM_001379.4); c.2917G>T, p.Gly973Cys (NM_001318731.2); short protein forms G1078C, G1094C, G973C.
Identifiers: ClinVar variation 4433332 (VCV004433332.2).
Genomic context (GRCh38, chr19:10,142,057, plus strand): 5'-AAGCCTTCCCTCTAGCAAGCAGGGGCACCACCTCGAGGAAGTAGAAGCGGTTGGGGCCGC[C>A]CATGGAGTACACCTGGACGCACTCGGGCAGGTCCTCCCCATACTCCACGGTGCAGCGGCC-3'
Protein context (NP_001124295.1, residues 1084-1104): LPECVQVYSM[Gly1094Cys]GPNRFYFLEA

ClinVar aggregate classification (germline): Uncertain significance (1 of 4 stars; one submission).

Conditions:
Hereditary sensory neuropathy-deafness-dementia syndrome. Also called: HSN IE; Hereditary sensory neuropathy type IE; NEUROPATHY, HEREDITARY SENSORY, WITH HEARING LOSS AND DEMENTIA; Hereditary Sensory and Autonomic Neuropathy Type 1E (HSAN1E). Identifiers: Orphanet 456318, MedGen C3279885, MONDO:0013584, OMIM 614116.

gnomAD v4.1: 1 of 1,612,022 alleles (0.000062%); highest among the groups gnomAD compares: Admixed American, 0.0017%; no homozygotes.

Submissions (2):

Labcorp Genetics (formerly Invitae), Labcorp
Classification: Uncertain significance for Hereditary sensory neuropathy-deafness-dementia syndrome. Last evaluated: 2025-11-08. Review status: criteria provided, single submitter. Criteria: Invitae Variant Classification Sherloc (09022015). Collection method: clinical testing. Allele origin: germline.
Comment: This sequence change replaces glycine, which is neutral and non-polar, with cysteine, which is neutral and slightly polar, at codon 1094 of the DNMT1 protein (p.Gly1094Cys). This variant is present in population databases (no rsID available, gnomAD 0.003%). This variant has not been reported in the literature in individuals affected with DNMT1-related conditions. Invitae Evidence Modeling of protein sequence and biophysical properties (such as structural, functional, and spatial information, amino acid conservation, physicochemical variation, residue mobility, and thermodynamic stability) indicates that this missense variant is not expected to disrupt DNMT1 protein function with a negative predictive value of 80%. In summary, the available evidence is currently insufficient to determine the role of this variant in disease. Therefore, it has been classified as a Variant of Uncertain Significance.

Dr. Peter K. Rogan Lab, Western University
No classification provided (evidence only). Condition: Familial cancer of breast. Review status: no classification provided. Collection method: in vitro. Allele origin: not applicable. Functional consequence: retained intron. Not counted in ClinVar's aggregate classification.